The following is an entry in ClinVar:

NM_001555.5(IGSF1):c.3662T>C (p.Ile1221Thr)

Gene: IGSF1 (immunoglobulin superfamily member 1; minus strand). Cytogenetic location: Xq26.1.
Variant type: single nucleotide variant.
Coding change: c.3662T>C on transcript NM_001555.5 (MANE Select); coding-DNA position 3662, T replaced by C.
Protein change: p.Ile1221Thr; replaces isoleucine 1221 with threonine.
Molecular consequence: missense variant.
Genome position (GRCh38, 1-based): chrX:131,274,688, A>G on the plus strand (T>C on the coding strand, the complement: IGSF1 is on the minus strand). VCF-style: chrX-131274688-A-G. GRCh37 (hg19) VCF-style: chrX-130408662-A-G.
Other names: c.3677T>C, p.Ile1226Thr (NM_001170961.2); c.3635T>C, p.Ile1212Thr (NM_001170962.2); short protein forms I1226T, I1212T, I1221T.
Identifiers: ClinVar variation 423973 (VCV000423973.3), dbSNP rs1064796725, ClinGen allele CA16621200.
Genomic context (GRCh38, chrX:131,274,688, plus strand): 5'-CTAGGCTCTGACCAGATATCAGGGTAGGCCTGGAGGCGGTAGCTGCAGCTGTAGTTTCCA[A>G]TGCCTTTTCCTTCTACGTTGTTGATGACAAAGTCTCCATCCTCTGAAAACTGCTGAGGTG-3'
Protein context (NP_001546.2, residues 1211-1231): FVINNVEGKG[Ile1221Thr]GNYSCSYRLQ

ClinVar aggregate classification (germline): Uncertain significance. Review status: criteria provided, multiple submitters, no conflicts (2 of 4 stars). 2 submissions from 2 submitters: Uncertain significance (2). Last evaluated 2024-04-09.

Conditions:
Inborn genetic diseases. Identifiers: MedGen C0950123, MeSH D030342.

Allele frequency attached by ClinVar (database versions not stated): gnomAD exomes below 0.00001.
gnomAD v4.1: 2 of 1,211,259 alleles (0.00017%); highest among the groups gnomAD compares: Admixed American, 0.0022%; no homozygotes.

Submissions (2):

Ambry Genetics
Classification: Uncertain significance for Inborn genetic diseases. Last evaluated: 2024-04-09. Review status: criteria provided, single submitter. Criteria: Ambry Variant Classification Scheme 2023. Collection method: clinical testing. Allele origin: germline.

GeneDx
Classification: Uncertain significance. Last evaluated: 2017-03-08. Review status: criteria provided, single submitter. Criteria: GeneDx Variant Classification (06012015). Collection method: clinical testing. Allele origin: germline. Affected: yes.
Comment: The I1226T variant in the IGSF1 gene has not been reported previously as a pathogenic variant, nor as a benign variant, to our knowledge. This variant is not observed in large population cohorts (Lek et al., 2016; 1000 Genomes Consortium et al., 2015; Exome Variant Server). The I1226T variant is a non-conservative amino acid substitution, which is likely to impact secondary protein structure as these residues differ in polarity, charge, size and/or other properties. This substitution occurs at a position that is not conserved. In silico analysis is inconsistent in its predictions as to whether or not the variant is damaging to the protein structure/function. We interpret I1226T as a variant of uncertain significance.